The following is an entry in ClinVar:

ClinVar aggregate classification (germline): Uncertain significance. Review status: criteria provided, multiple submitters, no conflicts (2 of 4 stars). 3 submissions from 3 submitters: Uncertain significance (3). Last evaluated 2024-10-17.

Conditions:
Inborn genetic diseases. Identifiers: MedGen C0950123, MeSH D030342.
Fanconi anemia (FA). Also called: Fanconi's anemia. Identifiers: Orphanet 84, MedGen C0015625, MeSH D005199, MONDO:0019391.

Allele frequency attached by ClinVar (database versions not stated): gnomAD exomes 0.00001; ExAC 0.00002; gnomAD 0.00005; ESP Exome Variant Server 0.00008; TOPMed 0.00008.
gnomAD v4.1: 17 of 1,613,770 alleles (0.0011%); highest among the groups gnomAD compares: African/African-American, 0.021%; no homozygotes.

Submissions (3):

Ambry Genetics
Classification: Uncertain significance for Inborn genetic diseases. Last evaluated: 2024-10-17. Review status: criteria provided, single submitter. Criteria: Ambry Variant Classification Scheme 2023. Collection method: clinical testing. Allele origin: germline.
Comment: The p.C1034W variant (also known as c.3102C>G), located in coding exon 14 of the FANCM gene, results from a C to G substitution at nucleotide position 3102. The cysteine at codon 1034 is replaced by tryptophan, an amino acid with highly dissimilar properties. This amino acid position is conserved. In addition, this alteration is predicted to be tolerated by in silico analysis. Based on the available evidence, the clinical significance of this variant remains unclear.

GeneDx
Classification: Uncertain significance. Last evaluated: 2024-03-13. Review status: criteria provided, single submitter. Criteria: GeneDx Variant Classification Process June 2021. Collection method: clinical testing. Allele origin: germline. Affected: yes.
Comment: In silico analysis supports that this missense variant does not alter protein structure/function; Has not been previously published as pathogenic or benign to our knowledge

Labcorp Genetics (formerly Invitae), Labcorp
Classification: Uncertain significance for Fanconi anemia. Last evaluated: 2022-06-28. Review status: criteria provided, single submitter. Criteria: Invitae Variant Classification Sherloc (09022015). Collection method: clinical testing. Allele origin: germline.
Comment: This sequence change replaces cysteine, which is neutral and slightly polar, with tryptophan, which is neutral and slightly polar, at codon 1034 of the FANCM protein (p.Cys1034Trp). This variant is present in population databases (rs370254286, gnomAD 0.02%). This variant has not been reported in the literature in individuals affected with FANCM-related conditions. Algorithms developed to predict the effect of missense changes on protein structure and function (SIFT, PolyPhen-2, Align-GVGD) all suggest that this variant is likely to be tolerated. In summary, the available evidence is currently insufficient to determine the role of this variant in disease. Therefore, it has been classified as a Variant of Uncertain Significance.

NM_020937.4(FANCM):c.3102C>G (p.Cys1034Trp)

Gene: FANCM (FA complementation group M; plus strand). Cytogenetic location: 14q21.2.
Variant type: single nucleotide variant.
Coding change: c.3102C>G on transcript NM_020937.4 (MANE Select); coding-DNA position 3102, C replaced by G.
Protein change: p.Cys1034Trp; replaces cysteine 1034 with tryptophan.
Molecular consequence: missense variant.
Genome position (GRCh38, 1-based): chr14:45,175,856, C>G. VCF-style: chr14-45175856-C-G. GRCh37 (hg19) VCF-style: chr14-45645059-C-G.
Other names: c.3024C>G, p.Cys1008Trp (NM_001308133.2); short protein forms C1008W, C1034W.
Identifiers: ClinVar variation 2413303 (VCV002413303.6), dbSNP rs370254286, ClinGen allele CA7169468.